The following is an entry in ClinVar:

ClinVar aggregate classification (germline): Uncertain significance (1 of 4 stars; one submission).

Allele frequency attached by ClinVar (database versions not stated): TOPMed below 0.00001.

Submission:

Labcorp Genetics (formerly Invitae), Labcorp
Classification: Uncertain significance. Last evaluated: 2022-07-20. Review status: criteria provided, single submitter. Criteria: Invitae Variant Classification Sherloc (09022015). Collection method: clinical testing. Allele origin: germline.
Comment: This sequence change affects codon 412 of the CLCN7 mRNA. It is a 'silent' change, meaning that it does not change the encoded amino acid sequence of the CLCN7 protein. In summary, the available evidence is currently insufficient to determine the role of this variant in disease. Therefore, it has been classified as a Variant of Uncertain Significance. Algorithms developed to predict the effect of sequence changes on RNA splicing suggest that this variant may create or strengthen a splice site. This variant has not been reported in the literature in individuals affected with CLCN7-related conditions. This variant is not present in population databases (gnomAD no frequency).

NM_001287.6(CLCN7):c.1236G>A (p.Leu412=)

Gene: CLCN7 (chloride voltage-gated channel 7; minus strand). Cytogenetic location: 16p13.3.
Variant type: single nucleotide variant.
Coding change: c.1236G>A on transcript NM_001287.6 (MANE Select); coding-DNA position 1236, G replaced by A.
Protein change: p.Leu412=; no amino-acid change (leucine 412 retained).
Molecular consequence: synonymous variant.
Genome position (GRCh38, 1-based): chr16:1,452,872, C>T on the plus strand (G>A on the coding strand, the complement: CLCN7 is on the minus strand). VCF-style: chr16-1452872-C-T. GRCh37 (hg19) VCF-style: chr16-1502873-C-T.
Other names: c.1164G>A, p.Leu388= (NM_001114331.3).
Identifiers: ClinVar variation 2018386 (VCV002018386.4), dbSNP rs891151291, ClinGen allele CA276675550.